The following is an entry in ClinVar:

NM_000214.3(JAG1):c.1608C>G (p.Asn536Lys)

Gene: JAG1 (jagged canonical Notch ligand 1; minus strand). Cytogenetic location: 20p12.2.
Variant type: single nucleotide variant.
Coding change: c.1608C>G on transcript NM_000214.3 (MANE Select); coding-DNA position 1608, C replaced by G.
Protein change: p.Asn536Lys; replaces asparagine 536 with lysine.
Molecular consequence: missense variant.
Genome position (GRCh38, 1-based): chr20:10,648,072, G>C on the plus strand (C>G on the coding strand, the complement: JAG1 is on the minus strand). VCF-style: chr20-10648072-G-C. GRCh37 (hg19) VCF-style: chr20-10628720-G-C.
Other names: short protein forms N536K.
Identifiers: ClinVar variation 2853391 (VCV002853391.3), dbSNP rs200648453, ClinGen allele CA9764804.
Genomic context (GRCh38, chr20:10,648,072, plus strand): 5'-CTCATAGTCCTCGGGGCACTTGCAGAAATAGTCACTGGCACGGTTGTAGCACTGGGCACC[G>C]TTCTGGCAGGGATTAGGCTCACAATAATCGATGTCCAGCTGCAAATATCAGGAACAGCGA-3'
Protein context (NP_000205.1, residues 526-546): IDYCEPNPCQ[Asn536Lys]GAQCYNRASD

ClinVar aggregate classification (germline): Uncertain significance (1 of 4 stars; one submission).

Conditions:
Alagille syndrome due to a JAG1 point mutation. Also called: JAG1-Related Alagille Syndrome; Alagille Syndrome 1; HEPATIC DUCTULAR HYPOPLASIA, SYNDROMATIC. Identifiers: Orphanet 261619, Orphanet 52, MedGen C1956125, MONDO:0016862, OMIM 118450.

gnomAD v4.1: 1 of 1,614,150 alleles (0.000062%); highest among the groups gnomAD compares: Non-Finnish European, 0.000085%; no homozygotes.

Submission:

Labcorp Genetics (formerly Invitae), Labcorp
Classification: Uncertain significance for Alagille syndrome due to a JAG1 point mutation. Last evaluated: 2023-05-02. Review status: criteria provided, single submitter. Criteria: Invitae Variant Classification Sherloc (09022015). Collection method: clinical testing. Allele origin: germline.
Comment: In summary, the available evidence is currently insufficient to determine the role of this variant in disease. Therefore, it has been classified as a Variant of Uncertain Significance. Advanced modeling of protein sequence and biophysical properties (such as structural, functional, and spatial information, amino acid conservation, physicochemical variation, residue mobility, and thermodynamic stability) performed at Invitae indicates that this missense variant is expected to disrupt JAG1 protein function. This variant has not been reported in the literature in individuals affected with JAG1-related conditions. This variant is present in population databases (rs200648453, gnomAD 0.0009%). This sequence change replaces asparagine, which is neutral and polar, with lysine, which is basic and polar, at codon 536 of the JAG1 protein (p.Asn536Lys).